The following is an entry in ClinVar:

ClinVar aggregate classification (germline): Pathogenic (1 of 4 stars; one submission).

Submission:

GeneDx
Classification: Pathogenic. Last evaluated: 2018-06-11. Review status: criteria provided, single submitter. Criteria: GeneDx Variant Classification (06012015). Collection method: clinical testing. Allele origin: germline. Affected: yes.
Comment: The c.1716dupA pathogenic variant in the ELN gene causes a frameshift starting with codon Valine 573, changes this amino acid to a Serine residue and creates a premature Stop codon at position 19 of the new reading frame, denoted p.Val573SerfsX19. This pathogenic variant is predicted to cause loss of normal protein function either through protein truncation or nonsense-mediated mRNA decay. Furthermore, the c.1716dupA variant is not observed in large population cohorts (Lek et al., 2016). Therefore, this variant is pathogenic.

NM_000501.4(ELN):c.1716dup (p.Val573fs)

Genes: ELN (elastin; plus strand), ELN-AS1 (ELN antisense RNA 1; minus strand). Cytogenetic location: 7q11.23.
Variant type: Duplication.
Coding change: c.1716dup on transcript NM_000501.4 (MANE Select); coding-DNA position 1716, one base duplicated (A; older notation c.1716dupA).
Protein change: p.Val573fs; shifts the reading frame from valine 573.
Molecular consequence: frameshift variant.
Genome position (GRCh38, 1-based): chr7:74,060,470, A duplicated. VCF-style (leftmost placement, unchanged base first): chr7-74060469-G-GA. GRCh37 (hg19) VCF-style: chr7-73474799-G-GA.
Other names: c.1629dup, p.Val544fs (NM_001081752.3); c.1674dup, p.Val559fs (NM_001081753.3); c.1731dup, p.Val578fs (NM_001081754.3); c.1659dup, p.Val554fs (NM_001081755.3); c.1716dup, p.Val573fs (NM_001278912.2); c.1473dup, p.Val492fs (NM_001278913.2); c.1644dup, p.Val549fs (NM_001278914.2); c.1734dup, p.Val579fs (NM_001278915.2); and 4 more; short protein forms V573fs, V578fs, V544fs, V492fs, V559fs, V563fs, V602fs, V484fs.
Identifiers: ClinVar variation 503920 (VCV000503920.2), dbSNP rs1554683650, ClinGen allele CA658796936.
Genomic context (GRCh38, chr7:74,060,469, plus strand): 5'-GACTTGGAGTTGGTGTCGGCGTCCCTGGACTTGGAGTTGGTGCTGGTGTTCCTGGACTTG[G>GA]AGTTGGTGCTGGTGTTCCTGGCTTCGGGGCAGGTGCAGATGAGGGAGTTAGGCGGAGCCT-3'